The following is an entry in ClinVar:

ClinVar aggregate classification (germline): Uncertain significance. Review status: criteria provided, multiple submitters, no conflicts (2 of 4 stars). 2 submissions from 2 submitters: Uncertain significance (2). Last evaluated 2025-08-26.

Allele frequency attached by ClinVar (database versions not stated): gnomAD exomes below 0.00001; TOPMed below 0.00001.
gnomAD v4.1: 2 of 1,614,180 alleles (0.00012%); highest among the groups gnomAD compares: Admixed American, 0.0017%; no homozygotes.

Submissions (2):

Ambry Genetics
Classification: Uncertain significance. Last evaluated: 2025-08-26. Review status: criteria provided, single submitter. Criteria: Ambry Variant Classification Scheme 2023. Collection method: clinical testing. Allele origin: germline.

Labcorp Genetics (formerly Invitae), Labcorp
Classification: Uncertain significance. Last evaluated: 2024-10-03. Review status: criteria provided, single submitter. Criteria: Invitae Variant Classification Sherloc (09022015). Collection method: clinical testing. Allele origin: germline.
Comment: This sequence change replaces methionine, which is neutral and non-polar, with threonine, which is neutral and polar, at codon 580 of the GALNT12 protein (p.Met580Thr). This variant is present in population databases (no rsID available, gnomAD 0.003%). This variant has not been reported in the literature in individuals affected with GALNT12-related conditions. ClinVar contains an entry for this variant (Variation ID: 819960). An algorithm developed to predict the effect of missense changes on protein structure and function (PolyPhen-2) suggests that this variant is likely to be tolerated. In summary, the available evidence is currently insufficient to determine the role of this variant in disease. Therefore, it has been classified as a Variant of Uncertain Significance.

NM_024642.5(GALNT12):c.1739T>C (p.Met580Thr)

Gene: GALNT12 (polypeptide N-acetylgalactosaminyltransferase 12; plus strand). Cytogenetic location: 9q22.33.
Variant type: single nucleotide variant.
Coding change: c.1739T>C on transcript NM_024642.5 (MANE Select); coding-DNA position 1739, T replaced by C.
Protein change: p.Met580Thr; replaces methionine 580 with threonine.
Molecular consequence: missense variant.
Genome position (GRCh38, 1-based): chr9:98,849,085, T>C. VCF-style: chr9-98849085-T-C. GRCh37 (hg19) VCF-style: chr9-101611367-T-C.
Other names: short protein forms M580T.
Identifiers: ClinVar variation 819960 (VCV000819960.14), dbSNP rs1194642022, ClinGen allele CA374223407.